The following is an entry in ClinVar:

ClinVar aggregate classification (germline): Uncertain significance. Review status: criteria provided, multiple submitters, no conflicts (2 of 4 stars). 3 submissions from 3 submitters: Uncertain significance (3). Last evaluated 2023-11-02.

Conditions:
Kabuki syndrome 1 (KABUK1). Also called: KMT2D-Related Kabuki Syndrome. Identifiers: Orphanet 2322, MedGen CN030661, MONDO:0007843, OMIM 147920.

Submissions (3):

Blueprint Genetics
Classification: Uncertain significance. Last evaluated: 2023-11-02. Review status: criteria provided, single submitter. Criteria: ACMG Guidelines, 2015. Collection method: clinical testing. Allele origin: germline.

3billion
Classification: Uncertain significance for Kabuki syndrome 1. Last evaluated: 2023-02-23. Review status: criteria provided, single submitter. Criteria: ACMG Guidelines, 2015. Collection method: clinical testing. Allele origin: unknown. Affected: yes.
Comment: The variant is not observed in the gnomAD v2.1.1 dataset. In silico tool predictions suggest no damaging effect of the variant on gene or gene product (REVEL: 0.28). Therefore, this variant is classified as VUS according to the recommendation of ACMG/AMP guideline.

GeneDx
Classification: Uncertain significance. Last evaluated: 2021-10-12. Review status: criteria provided, single submitter. Criteria: GeneDx Variant Classification Process June 2021. Collection method: clinical testing. Allele origin: germline. Affected: yes.
Comment: Has not been previously published as pathogenic or benign to our knowledge; Not observed at significant frequency in large population cohorts (gnomAD); In silico analysis supports that this missense variant has a deleterious effect on protein structure/function

NM_003482.4(KMT2D):c.137C>G (p.Ser46Cys)

Gene: KMT2D (lysine methyltransferase 2D; minus strand). Cytogenetic location: 12q13.12.
Variant type: single nucleotide variant.
Coding change: c.137C>G on transcript NM_003482.4 (MANE Select); coding-DNA position 137, C replaced by G.
Protein change: p.Ser46Cys; replaces serine 46 with cysteine.
Molecular consequence: missense variant.
Genome position (GRCh38, 1-based): chr12:49,054,939, G>C on the plus strand (C>G on the coding strand, the complement: KMT2D is on the minus strand). VCF-style: chr12-49054939-G-C. GRCh37 (hg19) VCF-style: chr12-49448722-G-C.
Other names: short protein forms S46C.
Identifiers: ClinVar variation 1676903 (VCV001676903.4), dbSNP rs2120715696, ClinGen allele CA384690127.
Genomic context (GRCh38, chr12:49,054,939, plus strand): 5'-ATGTGCCCTCAAACAAGCTACCTGCAGTCCTGAGGAGTCTCCTGAAGCCTGGGACTCCCA[G>C]AACTAAGGACAGAGACCTCTCCCACATGTGGGTTGGGCAGGTCTGACTCAGTGGCACTTG-3'
Protein context (NP_003473.3, residues 36-56): PHVGEVSVLS[Ser46Cys]GSPRLQETPQ